The following is an entry in ClinVar:

NM_001190274.2(FBXO11):c.287A>G (p.Asn96Ser)

Gene: FBXO11 (F-box protein 11; minus strand). Cytogenetic location: 2p16.3.
Variant type: single nucleotide variant.
Coding change: c.287A>G on transcript NM_001190274.2 (MANE Select); coding-DNA position 287, A replaced by G.
Protein change: p.Asn96Ser; replaces asparagine 96 with serine.
Molecular consequence: missense variant.
Genome position (GRCh38, 1-based): chr2:47,839,715, T>C on the plus strand (A>G on the coding strand, the complement: FBXO11 is on the minus strand). VCF-style: chr2-47839715-T-C. GRCh37 (hg19) VCF-style: chr2-48066854-T-C.
Other names: c.35A>G, p.Asn12Ser (NM_001374325.1, NM_025133.4); short protein forms N96S, N12S.
Identifiers: ClinVar variation 1921815 (VCV001921815.5), dbSNP rs1672868751, ClinGen allele CA346813738.

ClinVar aggregate classification (germline): Uncertain significance (1 of 4 stars; one submission).

Allele frequency attached by ClinVar (database versions not stated): gnomAD exomes 0.00001.
gnomAD v4.1: 5 of 1,614,148 alleles (0.00031%); highest among the groups gnomAD compares: Non-Finnish European, 0.00042%; no homozygotes.

Submission:

Labcorp Genetics (formerly Invitae), Labcorp
Classification: Uncertain significance. Last evaluated: 2022-08-16. Review status: criteria provided, single submitter. Criteria: Invitae Variant Classification Sherloc (09022015). Collection method: clinical testing. Allele origin: germline.
Comment: This variant is not present in population databases (gnomAD no frequency). This sequence change replaces asparagine, which is neutral and polar, with serine, which is neutral and polar, at codon 96 of the FBXO11 protein (p.Asn96Ser). This variant has not been reported in the literature in individuals affected with FBXO11-related conditions. In summary, the available evidence is currently insufficient to determine the role of this variant in disease. Therefore, it has been classified as a Variant of Uncertain Significance. Algorithms developed to predict the effect of missense changes on protein structure and function (SIFT, PolyPhen-2, Align-GVGD) all suggest that this variant is likely to be tolerated.